The following is an entry in ClinVar:

ClinVar aggregate classification (germline): Conflicting classifications of pathogenicity. Review status: criteria provided, conflicting classifications (1 of 4 stars). 2 submissions from 2 submitters: Likely pathogenic (1); Uncertain significance (1). Last evaluated 2026-01-28.

Conditions:
Polycystic kidney disease, adult type (PKD1). Also called: Polycystic Kidney Disease 1, Autosomal Dominant; Polycystic kidney disease 1; Polycystic kidney disease 1, severe; Polycystic Kidney, Autosomal Dominant; POLYCYSTIC KIDNEY DISEASE 1 WITH OR WITHOUT POLYCYSTIC LIVER DISEASE; POLYCYSTIC KIDNEY DISEASE, ADULT, TYPE I. Identifiers: MedGen C3149841, MONDO:0008263, OMIM 173900.

Submissions (2):

3billion
Classification: Likely pathogenic for Polycystic kidney disease, adult type. Last evaluated: 2026-01-28. Review status: criteria provided, single submitter. Criteria: ACMG Guidelines, 2015. Collection method: clinical testing. Allele origin: germline. Affected: yes.
Comment: The variant is observed at an extremely low frequency in the gnomAD v4.1.0 dataset (total allele frequency: <0.001%). Predicted Consequence/Location: Synonymous variant In silico tools predict the variant to alter splicing and produce an abnormal transcript [SpliceAI: 0.46 (>=0.2, moderate evidence for spliceogenicity)]. The variant has been observed in at least two similarly affected unrelated individuals (PMID: 26150605). The variant has been reported to co-segregate with the disease in at least 5 similarly affected relatives/individuals in the same family or similarly affected unrelated families (PMID: 26150605). Therefore, this variant is classified as Likely pathogenic according to the recommendation of ACMG/AMP guideline.

CeGaT Center for Human Genetics Tuebingen
Classification: Uncertain significance. Last evaluated: 2025-06-01. Review status: criteria provided, single submitter. Criteria: CeGaT Center For Human Genetics Tuebingen Variant Classification Criteria Version 2. Collection method: clinical testing. Allele origin: germline. Affected: yes. Observed: 1 variant allele.
Comment: PKD1: PM2, PS4:Supporting, BP7

Literature cited by the submitters: PubMed 26150605 (cited by 3billion).

NM_001009944.3(PKD1):c.1605A>G (p.Gly535=)

Gene: PKD1 (polycystin 1, transient receptor potential channel interacting; minus strand). Cytogenetic location: 16p13.3.
Variant type: single nucleotide variant.
Coding change: c.1605A>G on transcript NM_001009944.3 (MANE Select); coding-DNA position 1605, A replaced by G.
Protein change: p.Gly535=; no amino-acid change (glycine 535 retained).
Molecular consequence: synonymous variant.
Genome position (GRCh38, 1-based): chr16:2,116,834, T>C on the plus strand (A>G on the coding strand, the complement: PKD1 is on the minus strand). VCF-style: chr16-2116834-T-C. GRCh37 (hg19) VCF-style: chr16-2166835-T-C.
Other names: c.1605A>G, p.Gly535= (NM_000296.4).
Identifiers: ClinVar variation 3905540 (VCV003905540.10).